The following is an entry in ClinVar:

ClinVar aggregate classification (germline): Likely pathogenic (1 of 4 stars; one submission).

Submission:

Dasa
Classification: Likely pathogenic. Last evaluated: 2024-12-26. Review status: criteria provided, single submitter. Criteria: DASA Assertion Criteria. Collection method: clinical testing. Allele origin: germline.
Comment: NM_013275.6(ANKRD11):c.7686_7696del (p.Glu2562Aspfs*8) is a frameshift variant in ANKRD11 predicted to alter the reading frame and introduce a premature termination codon and is predicted to result in an absent or altered protein product. Loss of function is an established disease mechanism for ANKRD11 (PMID: 21782149; PMID: 35330407; PMID: 28422132). Also, this variant is absent from population databases. Based on the currently available evidence, this variant is classified as likely pathogenic.

Literature cited by the submitters: PubMed 21782149; PubMed 35330407; PubMed 28422132.

NM_013275.6(ANKRD11):c.7686_7696del (p.Glu2562fs)

Gene: ANKRD11 (ankyrin repeat domain 11; minus strand). Cytogenetic location: 16q24.3.
Variant type: Deletion.
Coding change: c.7686_7696del on transcript NM_013275.6 (MANE Select); coding-DNA positions 7686 to 7696, 11 bases deleted (GGTCTACAACA).
Protein change: p.Glu2562fs; shifts the reading frame from glutamic acid 2562.
Molecular consequence: frameshift variant.
Genome position (GRCh38, 1-based): chr16:89,274,831-89,274,841, TGTTGTAGACC deleted on the plus strand (GGTCTACAACA on the coding strand, the reverse complement: ANKRD11 is on the minus strand); deleting any 11 consecutive bases within chr16:89,274,831-89,274,842 gives the same sequence; the c. name uses the placement nearest the transcript's 3' end. VCF-style (leftmost placement, unchanged base first): chr16-89274830-ATGTTGTAGACC-A. GRCh37 (hg19) VCF-style: chr16-89341238-ATGTTGTAGACC-A.
Other names: c.7686_7696del, p.Glu2562fs (NM_001256182.2, NM_001256183.2); short protein forms E2562fs.
Identifiers: ClinVar variation 4856853 (VCV004856853.2).